The following is an entry in ClinVar:

ClinVar aggregate classification (germline): Uncertain significance (1 of 4 stars; one submission).

Conditions:
Epidermolysis bullosa simplex 2B, generalized intermediate (EBS2B). Also called: Epidermolysis bullosa simplex 2B, Koebner type. Identifiers: MedGen C5562009, MONDO:0030525, OMIM 619588.

Submission:

Foundation for Research in Genetics and Endocrinology, FRIGE's Institute of Human Genetics
Classification: Uncertain significance for Epidermolysis bullosa simplex 2B, generalized intermediate. Last evaluated: 2022-05-23. Review status: criteria provided, single submitter. Criteria: ACMG Guidelines, 2015. Collection method: clinical testing. Allele origin: germline. Inheritance: Autosomal dominant inheritance. Affected: yes. Observed: 1 heterozygote.
Comment: A homozygous missense variation in exon 1 of the KRT5 gene that results in the amino acid substitution of Aspartic for Glutamic acid at codon 168 was detected. The observed variant c.504G>C (p.Glu168Asp) has not been reported in the 1000 genomes and gnomAD databases. The in silico prediction of the variant are possibly damaging by PolyPhen-2 (HumDiv) and damaging by SIFT, LRT and MutationTaster2. The reference codon is conserved across species. In summary, the variant meets our criteria to be classified as variant of uncertain significance.

NM_000424.4(KRT5):c.504G>C (p.Glu168Asp)

Gene: KRT5 (keratin 5; minus strand). Cytogenetic location: 12q13.13.
Variant type: single nucleotide variant.
Coding change: c.504G>C on transcript NM_000424.4 (MANE Select); coding-DNA position 504, G replaced by C.
Protein change: p.Glu168Asp; replaces glutamic acid 168 with aspartic acid.
Molecular consequence: missense variant.
Genome position (GRCh38, 1-based): chr12:52,519,793, C>G on the plus strand (G>C on the coding strand, the complement: KRT5 is on the minus strand). VCF-style: chr12-52519793-C-G. GRCh37 (hg19) VCF-style: chr12-52913577-C-G.
Other names: p.Glu168Asp; short protein forms E168D.
Identifiers: ClinVar variation 1704353 (VCV001704353.3), dbSNP rs1357786542, ClinGen allele CA384928935.